The following is an entry in ClinVar:

NM_000304.4(PMP22):c.25A>G (p.Ile9Val)

Gene: PMP22 (peripheral myelin protein 22; minus strand). Cytogenetic location: 17p12.
Variant type: single nucleotide variant.
Coding change: c.25A>G on transcript NM_000304.4 (MANE Select); coding-DNA position 25, A replaced by G.
Protein change: p.Ile9Val; replaces isoleucine 9 with valine.
Molecular consequence: missense variant.
Genome position (GRCh38, 1-based): chr17:15,260,703, T>C on the plus strand (A>G on the coding strand, the complement: PMP22 is on the minus strand). VCF-style: chr17-15260703-T-C. GRCh37 (hg19) VCF-style: chr17-15164020-T-C.
Other names: c.25A>G, p.Ile9Val (NM_001281455.2, NM_001281456.2, NM_001330143.2 and 2 more transcripts); short protein forms I9V.
Identifiers: ClinVar variation 1035915 (VCV001035915.5), dbSNP rs138515303, ClinGen allele CA8403455.

ClinVar aggregate classification (germline): Uncertain significance (1 of 4 stars; one submission).

Conditions:
Charcot-Marie-Tooth disease, type I (CMT1). Also called: Charcot-Marie-Tooth disease type 1; Charcot-Marie-Tooth, Type 1. Identifiers: Orphanet 65753, MedGen C0751036, MONDO:0019011.

Allele frequency attached by ClinVar (database versions not stated): gnomAD exomes below 0.00001 and 0.00002; gnomAD 0.00003 and 0.00004; TOPMed 0.00003; ESP Exome Variant Server 0.00008; ExAC 0.00010.
gnomAD v4.1: 11 of 1,553,590 alleles (0.00071%); highest among the groups gnomAD compares: African/African-American, 0.0055%; no homozygotes.

Submission:

Labcorp Genetics (formerly Invitae), Labcorp
Classification: Uncertain significance for Charcot-Marie-Tooth disease, type I. Last evaluated: 2024-05-24. Review status: criteria provided, single submitter. Criteria: Invitae Variant Classification Sherloc (09022015). Collection method: clinical testing. Allele origin: germline.
Comment: This sequence change replaces isoleucine, which is neutral and non-polar, with valine, which is neutral and non-polar, at codon 9 of the PMP22 protein (p.Ile9Val). The frequency data for this variant in the population databases is considered unreliable, as metrics indicate poor data quality at this position in the gnomAD database. This variant has not been reported in the literature in individuals affected with PMP22-related conditions. ClinVar contains an entry for this variant (Variation ID: 1035915). Advanced modeling of protein sequence and biophysical properties (such as structural, functional, and spatial information, amino acid conservation, physicochemical variation, residue mobility, and thermodynamic stability) performed at Invitae indicates that this missense variant is not expected to disrupt PMP22 protein function with a negative predictive value of 95%. In summary, the available evidence is currently insufficient to determine the role of this variant in disease. Therefore, it has been classified as a Variant of Uncertain Significance.